The following is an entry in ClinVar:

NM_181486.4(TBX5):c.658_660del (p.His220del)

Gene: TBX5 (T-box transcription factor 5; minus strand). Cytogenetic location: 12q24.21.
Variant type: Deletion.
Coding change: c.658_660del on transcript NM_181486.4 (MANE Select); coding-DNA positions 658 to 660, 3 bases deleted (CAC; older notation c.658_660delCAC).
Protein change: p.His220del; deletes histidine 220.
Molecular consequence: inframe deletion.
Genome position (GRCh38, 1-based): chr12:114,394,744-114,394,746, GTG deleted on the plus strand (CAC on the coding strand, the reverse complement: TBX5 is on the minus strand); deleting any 3 consecutive bases within chr12:114,394,744-114,394,748 gives the same sequence; the c. name uses the placement nearest the transcript's 3' end. VCF-style (leftmost placement, unchanged base first): chr12-114394743-TGTG-T. GRCh37 (hg19) VCF-style: chr12-114832548-TGTG-T.
Other names: c.658_660del, p.His220del (NM_000192.3); c.508_510del, p.His170del (NM_080717.4); short protein forms H220del, H170del.
Identifiers: ClinVar variation 856731 (VCV000856731.9), dbSNP rs1871328960, ClinGen allele CA916082353.

ClinVar aggregate classification (germline): Likely pathogenic (1 of 4 stars; one submission).

Conditions:
Aortic valve disease 2 (AOVD2). Identifiers: MedGen C3542024, MONDO:0013902, OMIM 614823.

Submission:

Labcorp Genetics (formerly Invitae), Labcorp
Classification: Likely pathogenic for Aortic valve disease 2. Last evaluated: 2019-11-19. Review status: criteria provided, single submitter. Criteria: Invitae Variant Classification Sherloc (09022015). Collection method: clinical testing. Allele origin: germline.
Comment: This variant is not present in population databases (ExAC no frequency). This variant has been observed in individual(s) with Holt-Oram syndrome (PMID:20519243). In at least one individual the variant was observed to be de novo. This variant has been reported to affect TBX5 protein function (PMID: 20519243). This variant, c.658_660del, results in the deletion of 1 amino acid(s) of the TBX5 protein (p.His220del), but otherwise preserves the integrity of the reading frame. In summary, the currently available evidence indicates that the variant is pathogenic, but additional data are needed to prove that conclusively. Therefore, this variant has been classified as Likely Pathogenic.

Literature cited by the submitters: PubMed 20519243.